The following is an entry in ClinVar:

ClinVar aggregate classification (germline): Uncertain significance (1 of 4 stars; one submission).

Submission:

Labcorp Genetics (formerly Invitae), Labcorp
Classification: Uncertain significance. Last evaluated: 2022-07-01. Review status: criteria provided, single submitter. Criteria: Invitae Variant Classification Sherloc (09022015). Collection method: clinical testing. Allele origin: germline.
Comment: In summary, the available evidence is currently insufficient to determine the role of this variant in disease. Therefore, it has been classified as a Variant of Uncertain Significance. This sequence change replaces proline, which is neutral and non-polar, with threonine, which is neutral and polar, at codon 214 of the RBP3 protein (p.Pro214Thr). This variant is not present in population databases (gnomAD no frequency). This variant has not been reported in the literature in individuals affected with RBP3-related conditions. Algorithms developed to predict the effect of missense changes on protein structure and function are either unavailable or do not agree on the potential impact of this missense change (SIFT: "Deleterious"; PolyPhen-2: "Probably Damaging"; Align-GVGD: "Class C0").

NM_002900.3(RBP3):c.640C>A (p.Pro214Thr)

Gene: RBP3 (retinol binding protein 3; plus strand). Cytogenetic location: 10q11.22.
Variant type: single nucleotide variant.
Coding change: c.640C>A on transcript NM_002900.3 (MANE Select); coding-DNA position 640, C replaced by A.
Protein change: p.Pro214Thr; replaces proline 214 with threonine.
Molecular consequence: missense variant.
Genome position (GRCh38, 1-based): chr10:47,349,124, C>A. VCF-style: chr10-47349124-C-A. GRCh37 (hg19) VCF-style: chr10-48390238-G-T.
Other names: short protein forms P214T.
Identifiers: ClinVar variation 1952167 (VCV001952167.5), dbSNP rs1196877711, ClinGen allele CA376665807.
Genomic context (GRCh38, chr10:47,349,124, plus strand): 5'-CTGCACGTGGACACTATCTACAACCGCCCCTCCAACACCACCACGGAGATCTGGACCTTG[C>A]CCCAGGTCCTGGGAGAAAGGTACGGTGCCGACAAGGATGTGGTGGTCCTCACCAGCAGCC-3'
Protein context (NP_002891.1, residues 204-224): SNTTTEIWTL[Pro214Thr]QVLGERYGAD